The following is an entry in ClinVar:

ClinVar aggregate classification (germline): Uncertain significance. Review status: criteria provided, single submitter (1 of 4 stars). 2 submissions from 2 submitters: Uncertain significance (1). 1 of the submissions does not count toward it. Last evaluated 2023-03-22.

Conditions:
Familial long QT syndrome (RWS). Also called: Congenital long QT syndrome; Romano-Ward syndrome; VENTRICULAR FIBRILLATION WITH PROLONGED QT INTERVAL. Identifiers: Orphanet 768, MedGen C1141890, MONDO:0019171.

Submissions (2):

GeneDx
Classification: Uncertain significance. Last evaluated: 2023-03-22. Review status: criteria provided, single submitter. Criteria: GeneDx Variant Classification Process June 2021. Collection method: clinical testing. Allele origin: germline. Affected: yes.
Comment: Reported in association with LQTS (Splawski et al., 1998; Westenskow et al., 2004); however, at least one patient also harbored an additional potentially disease-causing variant in the KCNQ1 gene; Not observed at significant frequency in large population cohorts (gnomAD); In silico analysis supports that this missense variant does not alter protein structure/function; This variant is associated with the following publications: (PMID: 15051636, 32431610, 31565860, 9693036)

Cardiovascular Biomedical Research Unit, Royal Brompton & Harefield NHS Foundation Trust
No classification provided. Condition: Familial long QT syndrome. Review status: no classification provided. Collection method: literature only. Allele origin: germline. Not counted in ClinVar's aggregate classification.
Comment: This variant has been reported as associated with Long QT syndrome in the following publications (PMID:9693036;PMID:15051636). This is a literature report, and does not necessarily reflect the clinical interpretation of the Imperial College / Royal Brompton Cardiovascular Genetics laboratory.

Literature cited by the submitters: PubMed 9693036 (cited by Cardiovascular Biomedical Research Unit, Royal Brompton & Harefield NHS Foundation Trust); PubMed 15051636 (cited by Cardiovascular Biomedical Research Unit, Royal Brompton & Harefield NHS Foundation Trust); PubMed 22581653 (cited by Cardiovascular Biomedical Research Unit, Royal Brompton & Harefield NHS Foundation Trust).

NM_000218.3(KCNQ1):c.954G>C (p.Lys318Asn)

Gene: KCNQ1 (potassium voltage-gated channel subfamily Q member 1; plus strand). Cytogenetic location: 11p15.5.
Variant type: single nucleotide variant.
Coding change: c.954G>C on transcript NM_000218.3 (MANE Select); coding-DNA position 954, G replaced by C.
Protein change: p.Lys318Asn; replaces lysine 318 with asparagine.
Molecular consequence: missense variant.
Genome position (GRCh38, 1-based): chr11:2,583,467, G>C. VCF-style: chr11-2583467-G-C. GRCh37 (hg19) VCF-style: chr11-2604697-G-C.
Other names: p.K318N:AAG>AAC; c.954G>C (LRG_287t1); c.954G>C, p.Lys318Asn (NM_001406836.1); c.684G>C, p.Lys228Asn (NM_001406837.1); c.510G>C, p.Lys170Asn (NM_001406838.1); c.573G>C, p.Lys191Asn (NM_181798.2); short protein forms K318N, K191N, K170N, K228N.
Identifiers: ClinVar variation 53146 (VCV000053146.5), dbSNP rs199472752, ClinGen allele CA008895.